The following is an entry in ClinVar:

NM_004655.4(AXIN2):c.-117+6G>T

Gene: AXIN2 (axin 2; minus strand). Cytogenetic location: 17q24.1.
Variant type: single nucleotide variant.
Coding change: c.-117+6G>T on transcript NM_004655.4 (MANE Select); 6 bases into the intron after 117 bases upstream of the start codon, G replaced by T.
Molecular consequence: intron variant.
Genome position (GRCh38, 1-based): chr17:65,561,444, C>A on the plus strand (G>T on the coding strand, the complement: AXIN2 is on the minus strand). VCF-style: chr17-65561444-C-A. GRCh37 (hg19) VCF-style: chr17-63557562-C-A.
Other names: c.-117+6G>T (LRG_296t1, NM_001363813.1).
Identifiers: ClinVar variation 234535 (VCV000234535.2), dbSNP rs876661069, ClinGen allele CA10577575.

ClinVar aggregate classification (germline): Uncertain significance (1 of 4 stars; one submission).

Allele frequency attached by ClinVar (database versions not stated): gnomAD 0.00005 and 0.00006.

Submission:

GeneDx
Classification: Uncertain significance. Last evaluated: 2016-01-27. Review status: criteria provided, single submitter. Criteria: GeneDx Variant Classification (06012015). Collection method: clinical testing. Allele origin: germline. Affected: yes.
Comment: This variant is denoted AXIN2 c.-117+6G>T or IVS1+6G>T and consists of a G>T nucleotide substitution at the +6 position of intron 1 of the AXIN2 gene. This variant occurs prior to the initiation codon, which is located in exon 2. Multiple in silico models predict that this variant has no impact on splicing. However, in the absence of RNA or functional studies, the actual effect of this variant is unknown. This variant has not, to our knowledge, been published in the literature as pathogenic or benign. AXIN2 c.-117+6G>T was not observed in approximately 6,500 individuals of European and African American ancestry in the NHLBI Exome Sequencing Project, suggesting it is not a common benign variant in these populations. The guanine (G) nucleotide that is altered is conserved across species. Based on currently available information, it is unclear whether AXIN2 c.-117+6G>T is pathogenic or benign.